The following is an entry in ClinVar:

ClinVar aggregate classification (germline): Uncertain significance. Review status: criteria provided, multiple submitters, no conflicts (2 of 4 stars). 2 submissions from 2 submitters: Uncertain significance (2). Last evaluated 2022-07-19.

Conditions:
Hereditary cancer-predisposing syndrome. Also called: Neoplastic Syndromes, Hereditary; Hereditary neoplastic syndrome; Hereditary Cancer Syndrome; Tumor predisposition. Identifiers: Orphanet 140162, MedGen C0027672, MeSH D009386, MONDO:0015356.
Microcephaly, normal intelligence and immunodeficiency (NBS). Also called: BERLIN BREAKAGE SYNDROME; Immunodeficiency, microcephaly with normal intelligence; SEEMANOVA SYNDROME II; Ataxia telangiectasia variant V1; Nijmegen breakage syndrome; IMMUNODEFICIENCY, MICROCEPHALY, AND CHROMOSOMAL INSTABILITY. Identifiers: Orphanet 647, MedGen C0398791, MONDO:0009623, OMIM 251260.

Submissions (2):

Labcorp Genetics (formerly Invitae), Labcorp
Classification: Uncertain significance for Microcephaly, normal intelligence and immunodeficiency. Last evaluated: 2022-07-19. Review status: criteria provided, single submitter. Criteria: Invitae Variant Classification Sherloc (09022015). Collection method: clinical testing. Allele origin: germline.
Comment: This variant has not been reported in the literature in individuals affected with NBN-related conditions. This variant is not present in population databases (gnomAD no frequency). This sequence change replaces threonine, which is neutral and polar, with isoleucine, which is neutral and non-polar, at codon 67 of the NBN protein (p.Thr67Ile). ClinVar contains an entry for this variant (Variation ID: 656866). In summary, the available evidence is currently insufficient to determine the role of this variant in disease. Therefore, it has been classified as a Variant of Uncertain Significance. Algorithms developed to predict the effect of missense changes on protein structure and function (SIFT, PolyPhen-2, Align-GVGD) all suggest that this variant is likely to be tolerated.

Ambry Genetics
Classification: Uncertain significance for Hereditary cancer-predisposing syndrome. Last evaluated: 2019-03-21. Review status: criteria provided, single submitter. Criteria: Ambry Variant Classification Scheme 2023. Collection method: clinical testing. Allele origin: germline.
Comment: The p.T67I variant (also known as c.200C>T), located in coding exon 3 of the NBN gene, results from a C to T substitution at nucleotide position 200. The threonine at codon 67 is replaced by isoleucine, an amino acid with similar properties. This amino acid position is highly conserved in available vertebrate species. In addition, this alteration is predicted to be tolerated by in silico analysis. Since supporting evidence is limited at this time, the clinical significance of this alteration remains unclear.

NM_002485.5(NBN):c.200C>T (p.Thr67Ile)

Gene: NBN (nibrin; minus strand). Cytogenetic location: 8q21.3.
Variant type: single nucleotide variant.
Coding change: c.200C>T on transcript NM_002485.5 (MANE Select); coding-DNA position 200, C replaced by T.
Protein change: p.Thr67Ile; replaces threonine 67 with isoleucine.
Molecular consequence: missense variant. On other transcripts: 5 prime UTR variant (1).
Genome position (GRCh38, 1-based): chr8:89,981,495, G>A on the plus strand (C>T on the coding strand, the complement: NBN is on the minus strand). VCF-style: chr8-89981495-G-A. GRCh37 (hg19) VCF-style: chr8-90993723-G-A.
Other names: c.-47C>T (NM_001024688.3); short protein forms T67I.
Identifiers: ClinVar variation 656866 (VCV000656866.11), dbSNP rs1015793589, ClinGen allele CA181280618.